The following is an entry in ClinVar:

NM_001199107.2(TBC1D24):c.*3750C>T

Gene: TBC1D24 (TBC1 domain family member 24; plus strand). Cytogenetic location: 16p13.3.
Variant type: single nucleotide variant.
Coding change: c.*3750C>T on transcript NM_001199107.2 (MANE Select); 3750 bases downstream of the stop codon, C replaced by T.
Molecular consequence: 3 prime UTR variant.
Genome position (GRCh38, 1-based): chr16:2,504,708, C>T. VCF-style: chr16-2504708-C-T. GRCh37 (hg19) VCF-style: chr16-2554709-C-T.
Other names: c.*3750C>T (NM_020705.3).
Identifiers: ClinVar variation 318694 (VCV000318694.5), dbSNP rs189487145, ClinGen allele CA10643331.

ClinVar aggregate classification (germline): Likely benign (1 of 4 stars; one submission).

Conditions:
Familial infantile myoclonic epilepsy (FIME). Also called: TBC1D24-Related Familial Infantile Myoclonic Epilepsy (FIME); Epilepsy, Myoclonic, Infantile. Identifiers: Orphanet 352582, MedGen C0917800, MONDO:0011506, OMIM 605021.

Allele frequency attached by ClinVar (database versions not stated): 1000 Genomes Project 0.00080; gnomAD 0.00141 and 0.00155; 1000 Genomes Project 30x 0.00062; TOPMed 0.00161.

Submission:

Illumina Laboratory Services, Illumina
Classification: Likely benign for Familial infantile myoclonic epilepsy. Last evaluated: 2018-01-13. Review status: criteria provided, single submitter. Criteria: ICSL Variant Classification Criteria 13 December 2019. Collection method: clinical testing. Allele origin: germline.
Comment: This variant was observed in the ICSL laboratory as part of a predisposition screen in an ostensibly healthy population. It had not been previously curated by ICSL or reported in the Human Gene Mutation Database (HGMD: prior to June 1st, 2018), and was therefore a candidate for classification through an automated scoring system. Utilizing variant allele frequency, disease prevalence and penetrance estimates, and inheritance mode, an automated score was calculated to assess if this variant is too frequent to cause the disease. Based on the score and internal cut-off values, a variant classified as likely benign is not then subjected to further curation. The score for this variant resulted in a classification of likely benign for this disease.